The following is an entry in ClinVar:

NM_001145252.3(CFP):c.728A>G (p.Tyr243Cys)

Gene: CFP (complement factor properdin; minus strand). Cytogenetic location: Xp11.23.
Variant type: single nucleotide variant.
Coding change: c.728A>G on transcript NM_001145252.3 (MANE Select); coding-DNA position 728, A replaced by G.
Protein change: p.Tyr243Cys; replaces tyrosine 243 with cysteine.
Molecular consequence: missense variant.
Genome position (GRCh38, 1-based): chrX:47,627,179, T>C on the plus strand (A>G on the coding strand, the complement: CFP is on the minus strand). VCF-style: chrX-47627179-T-C. GRCh37 (hg19) VCF-style: chrX-47486578-T-C.
Other names: c.728A>G, p.Tyr243Cys (NM_002621.2); short protein forms Y243C.
Identifiers: ClinVar variation 3648710 (VCV003648710.2).

ClinVar aggregate classification (germline): Uncertain significance (1 of 4 stars; one submission).

Submission:

Labcorp Genetics (formerly Invitae), Labcorp
Classification: Uncertain significance. Last evaluated: 2024-07-01. Review status: criteria provided, single submitter. Criteria: Invitae Variant Classification Sherloc (09022015). Collection method: clinical testing. Allele origin: germline.
Comment: This sequence change replaces tyrosine, which is neutral and polar, with cysteine, which is neutral and slightly polar, at codon 243 of the CFP protein (p.Tyr243Cys). This variant is not present in population databases (gnomAD no frequency). This variant has not been reported in the literature in individuals affected with CFP-related conditions. Advanced modeling of protein sequence and biophysical properties (such as structural, functional, and spatial information, amino acid conservation, physicochemical variation, residue mobility, and thermodynamic stability) performed at Invitae indicates that this missense variant is not expected to disrupt CFP protein function with a negative predictive value of 80%. In summary, the available evidence is currently insufficient to determine the role of this variant in disease. Therefore, it has been classified as a Variant of Uncertain Significance.